The following is an entry in ClinVar:

NM_152305.3(POGLUT1):c.349G>C (p.Glu117Gln)

Gene: POGLUT1 (protein O-glucosyltransferase 1; plus strand). Cytogenetic location: 3q13.33.
Variant type: single nucleotide variant.
Coding change: c.349G>C on transcript NM_152305.3 (MANE Select); coding-DNA position 349, G replaced by C.
Protein change: p.Glu117Gln; replaces glutamic acid 117 with glutamine.
Molecular consequence: missense variant. On other transcripts: non-coding transcript variant (1).
Genome position (GRCh38, 1-based): chr3:119,477,341, G>C. VCF-style: chr3-119477341-G-C. GRCh37 (hg19) VCF-style: chr3-119196188-G-C.
Other names: c.349G>C, p.Glu117Gln (NM_020231.3); short protein forms E117Q.
Identifiers: ClinVar variation 2302635 (VCV002302635.4), dbSNP rs777794845, ClinGen allele CA2554824.

ClinVar aggregate classification (germline): Uncertain significance. Review status: criteria provided, multiple submitters, no conflicts (2 of 4 stars). 2 submissions from 2 submitters: Uncertain significance (2). Last evaluated 2024-08-11.

Conditions:
Inborn genetic diseases. Identifiers: MedGen C0950123, MeSH D030342.

Allele frequency attached by ClinVar (database versions not stated): ExAC 0.00001; gnomAD exomes 0.00001; TOPMed 0.00001; gnomAD 0.00002.
gnomAD v4.1: 19 of 1,613,922 alleles (0.0012%); highest among the groups gnomAD compares: Admixed American, 0.0017%; no homozygotes.

Submissions (2):

Labcorp Genetics (formerly Invitae), Labcorp
Classification: Uncertain significance. Last evaluated: 2024-08-11. Review status: criteria provided, single submitter. Criteria: Invitae Variant Classification Sherloc (09022015). Collection method: clinical testing. Allele origin: germline.
Comment: This sequence change replaces glutamic acid, which is acidic and polar, with glutamine, which is neutral and polar, at codon 117 of the POGLUT1 protein (p.Glu117Gln). This variant is present in population databases (rs777794845, gnomAD 0.002%). This variant has not been reported in the literature in individuals affected with POGLUT1-related conditions. ClinVar contains an entry for this variant (Variation ID: 2302635). Advanced modeling of protein sequence and biophysical properties (such as structural, functional, and spatial information, amino acid conservation, physicochemical variation, residue mobility, and thermodynamic stability) performed at Invitae indicates that this missense variant is not expected to disrupt POGLUT1 protein function with a negative predictive value of 80%. In summary, the available evidence is currently insufficient to determine the role of this variant in disease. Therefore, it has been classified as a Variant of Uncertain Significance.

Ambry Genetics
Classification: Uncertain significance for Inborn genetic diseases. Last evaluated: 2022-07-20. Review status: criteria provided, single submitter. Criteria: Ambry Variant Classification Scheme 2023. Collection method: clinical testing. Allele origin: germline.